The following is an entry in ClinVar:

NM_001814.6(CTSC):c.21G>A (p.Leu7=)

Genes: CTSC (cathepsin C; minus strand), LOC130006572 (ATAC-STARR-seq lymphoblastoid active region 5382; plus strand). Cytogenetic location: 11q14.2.
Variant type: single nucleotide variant.
Coding change: c.21G>A on transcript NM_001814.6 (MANE Select); coding-DNA position 21, G replaced by A.
Protein change: p.Leu7=; no amino-acid change (leucine 7 retained).
Molecular consequence: synonymous variant.
Genome position (GRCh38, 1-based): chr11:88,337,652, C>T on the plus strand (G>A on the coding strand, the complement: CTSC is on the minus strand). VCF-style: chr11-88337652-C-T. GRCh37 (hg19) VCF-style: chr11-88070820-C-T.
Other names: c.21G>A (NM_001814.5); c.21G>A, p.Leu7= (NM_001114173.3, NM_148170.5).
Identifiers: ClinVar variation 2922578 (VCV002922578.5), dbSNP rs370256893, ClinGen allele CA6220159.

ClinVar aggregate classification (germline): Likely benign. Review status: criteria provided, single submitter (1 of 4 stars). 2 submissions from 2 submitters: Likely benign (1). 1 of the submissions does not count toward it. Last evaluated 2024-10-25.

Conditions:
Haim-Munk syndrome (HMS). Also called: KERATOSIS PALMOPLANTARIS WITH PERIODONTOPATHIA AND ONYCHOGRYPOSIS; COCHIN JEWISH DISORDER. Identifiers: Orphanet 2342, MedGen C1855627, MONDO:0009491, OMIM 245010.
Periodontitis, aggressive. Identifiers: MedGen C0031106, MONDO:0980757.
Papillon-Lefèvre syndrome (PALS). Also called: KERATOSIS PALMOPLANTARIS WITH PERIODONTOPATHIA; Papillon-Lefevre Disease. Identifiers: Orphanet 678, MedGen C0030360, MONDO:0009490, OMIM 245000.
CTSC-related disorder. Also called: CTSC-related condition; CTSC-related disorders. Identifiers: MedGen CN375926, MONDO:0800465.

Allele frequency attached by ClinVar (database versions not stated): ESP Exome Variant Server 0.00008.
gnomAD v4.1: 18 of 1,580,944 alleles (0.0011%); highest among the groups gnomAD compares: African/African-American, 0.023%; no homozygotes.

Submissions (2):

Labcorp Genetics (formerly Invitae), Labcorp
Classification: Likely benign for Haim-Munk syndrome; Periodontitis, aggressive; Papillon-Lefèvre syndrome. Last evaluated: 2024-10-25. Review status: criteria provided, single submitter. Criteria: Invitae Variant Classification Sherloc (09022015). Collection method: clinical testing. Allele origin: germline.

PreventionGenetics, part of Exact Sciences
Classification: Likely benign for CTSC-related condition. Last evaluated: 2019-08-20. Review status: no assertion criteria provided. Collection method: clinical testing. Allele origin: germline. Not counted in ClinVar's aggregate classification.
Comment: This variant is classified as likely benign based on ACMG/AMP sequence variant interpretation guidelines (Richards et al. 2015 PMID: 25741868, with internal and published modifications).